The following is an entry in ClinVar:

ClinVar aggregate classification (germline): Conflicting classifications of pathogenicity. Review status: criteria provided, conflicting classifications (1 of 4 stars). 2 submissions from 2 submitters: Uncertain significance (1); Benign (1). Last evaluated 2022-10-04.

Conditions:
Adams-Oliver syndrome 5 (AOS5). Identifiers: Orphanet 974, MedGen C4014970, MONDO:0014459, OMIM 616028.

Allele frequency attached by ClinVar (database versions not stated): gnomAD exomes 0.00001.
gnomAD v4.1: 10 of 1,611,808 alleles (0.00062%); highest among the groups gnomAD compares: Admixed American, 0.0017%; no homozygotes.

Submissions (2):

Labcorp Genetics (formerly Invitae), Labcorp
Classification: Benign for Adams-Oliver syndrome 5. Last evaluated: 2022-10-04. Review status: criteria provided, single submitter. Criteria: Invitae Variant Classification Sherloc (09022015). Collection method: clinical testing. Allele origin: germline.

GeneDx
Classification: Uncertain significance. Last evaluated: 2022-01-13. Review status: criteria provided, single submitter. Criteria: GeneDx Variant Classification Process June 2021. Collection method: clinical testing. Allele origin: germline. Affected: yes.
Comment: Has not been previously published as pathogenic or benign to our knowledge; Not observed at significant frequency in large population cohorts (gnomAD); In silico analysis supports that this missense variant does not alter protein structure/function

NM_017617.5(NOTCH1):c.314C>G (p.Ala105Gly)

Gene: NOTCH1 (notch receptor 1; minus strand). Cytogenetic location: 9q34.3.
Variant type: single nucleotide variant.
Coding change: c.314C>G on transcript NM_017617.5 (MANE Select); coding-DNA position 314, C replaced by G.
Protein change: p.Ala105Gly; replaces alanine 105 with glycine.
Molecular consequence: missense variant.
Genome position (GRCh38, 1-based): chr9:136,523,806, G>C on the plus strand (C>G on the coding strand, the complement: NOTCH1 is on the minus strand). VCF-style: chr9-136523806-G-C. GRCh37 (hg19) VCF-style: chr9-139418258-G-C.
Other names: short protein forms A105G.
Identifiers: ClinVar variation 1312648 (VCV001312648.7), dbSNP rs1212259128, ClinGen allele CA375572724.